The following is an entry in ClinVar:

ClinVar aggregate classification (germline): Uncertain significance. Review status: criteria provided, multiple submitters, no conflicts (2 of 4 stars). 3 submissions from 3 submitters: Uncertain significance (3). Last evaluated 2025-02-13.

Conditions:
Inborn genetic diseases. Identifiers: MedGen C0950123, MeSH D030342.

Allele frequency attached by ClinVar (database versions not stated): gnomAD exomes below 0.00001; ExAC 0.00002; TOPMed 0.00007; gnomAD 0.00008; 1000 Genomes Project 0.00020; 1000 Genomes Project 30x 0.00031.
gnomAD v4.1: 18 of 1,614,122 alleles (0.0011%); highest among the groups gnomAD compares: African/African-American, 0.023%; no homozygotes.

Submissions (3):

Ambry Genetics
Classification: Uncertain significance for Inborn genetic diseases. Last evaluated: 2025-02-13. Review status: criteria provided, single submitter. Criteria: Ambry Variant Classification Scheme 2023. Collection method: clinical testing. Allele origin: germline.

GeneDx
Classification: Uncertain significance. Last evaluated: 2023-07-02. Review status: criteria provided, single submitter. Criteria: GeneDx Variant Classification Process June 2021. Collection method: clinical testing. Allele origin: germline. Affected: yes.
Comment: In silico analysis supports that this missense variant has a deleterious effect on protein structure/function; Has not been previously published as pathogenic or benign to our knowledge

Labcorp Genetics (formerly Invitae), Labcorp
Classification: Uncertain significance. Last evaluated: 2022-04-28. Review status: criteria provided, single submitter. Criteria: Invitae Variant Classification Sherloc (09022015). Collection method: clinical testing. Allele origin: germline.
Comment: This sequence change replaces lysine, which is basic and polar, with arginine, which is basic and polar, at codon 388 of the POLR3A protein (p.Lys388Arg). This variant is present in population databases (rs550436426, gnomAD 0.03%). This variant has not been reported in the literature in individuals affected with POLR3A-related conditions. Algorithms developed to predict the effect of missense changes on protein structure and function (SIFT, PolyPhen-2, Align-GVGD) all suggest that this variant is likely to be tolerated. In summary, the available evidence is currently insufficient to determine the role of this variant in disease. Therefore, it has been classified as a Variant of Uncertain Significance.

NM_007055.4(POLR3A):c.1163A>G (p.Lys388Arg)

Gene: POLR3A (RNA polymerase III subunit A; minus strand). Cytogenetic location: 10q22.3.
Variant type: single nucleotide variant.
Coding change: c.1163A>G on transcript NM_007055.4 (MANE Select); coding-DNA position 1163, A replaced by G.
Protein change: p.Lys388Arg; replaces lysine 388 with arginine.
Molecular consequence: missense variant.
Genome position (GRCh38, 1-based): chr10:78,021,568, T>C on the plus strand (A>G on the coding strand, the complement: POLR3A is on the minus strand). VCF-style: chr10-78021568-T-C. GRCh37 (hg19) VCF-style: chr10-79781326-T-C.
Other names: c.1163A>G (NM_007055.3); short protein forms K388R.
Identifiers: ClinVar variation 2051041 (VCV002051041.3), dbSNP rs550436426, ClinGen allele CA5571527.